The following is an entry in ClinVar:

NM_001042545.2(LTBP4):c.2813-299A>G

Gene: LTBP4 (latent transforming growth factor beta binding protein 4; plus strand). Cytogenetic location: 19q13.2.
Variant type: single nucleotide variant.
Coding change: c.2813-299A>G on transcript NM_001042545.2 (MANE Select); 299 bases into the intron before coding-DNA position 2813, A replaced by G.
Molecular consequence: intron variant.
Genome position (GRCh38, 1-based): chr19:40,616,590, A>G. VCF-style: chr19-40616590-A-G. GRCh37 (hg19) VCF-style: chr19-41122496-A-G.
Other names: c.2903-299A>G (NM_003573.2); c.3014-299A>G (NM_001042544.1).
Identifiers: ClinVar variation 683628 (VCV000683628.1), dbSNP rs10403467, ClinGen allele CA14744892.
Genomic context (GRCh38, chr19:40,616,590, plus strand): 5'-CGAGACCATTCTGGTCAACATGGTGAAATCTCATCTCTACTAAAAATACAAAAATTAGCT[A>G]GGCATGATGGTGCATGCCTGTAGTCCCAGCTGCTCTAGAAGCTGAGGTAGAATTGCTTGA-3'

ClinVar aggregate classification (germline): Benign (1 of 4 stars; one submission).

Allele frequency attached by ClinVar (database versions not stated): TOPMed 0.46848; gnomAD 0.47869 and 0.47871; 1000 Genomes Project 30x 0.49844; 1000 Genomes Project 0.50080.
gnomAD v4.1: 72,592 of 151,980 alleles (48%); highest among the groups gnomAD compares: African/African-American, 60%; 18,030 homozygotes.

Submission:

GeneDx
Classification: Benign. Last evaluated: 2018-06-19. Review status: criteria provided, single submitter. Criteria: GeneDx Variant Classification (06012015). Collection method: clinical testing. Allele origin: germline. Affected: yes.
Comment: This variant is considered likely benign or benign based on one or more of the following criteria: it is a conservative change, it occurs at a poorly conserved position in the protein, it is predicted to be benign by multiple in silico algorithms, and/or has population frequency not consistent with disease.